The following is an entry in ClinVar:

ClinVar aggregate classification (germline): Likely benign (1 of 4 stars; one submission).

Conditions:
CYP4F22-related disorder. Also called: CYP4F22-related condition.

gnomAD v4.1: 15 of 1,614,070 alleles (0.00093%); highest among the groups gnomAD compares: East Asian, 0.025%; no homozygotes.

Submission:

PreventionGenetics, part of Exact Sciences
Classification: Likely benign for CYP4F22-related condition. Last evaluated: 2025-10-10. Review status: criteria provided, single submitter. Criteria: ACMG Guidelines, 2015. Collection method: clinical testing. Allele origin: germline.
Comment: This variant is classified as likely benign based on ACMG/AMP sequence variant interpretation guidelines (Richards et al. 2015 PMID: 25741868, with internal and published modifications).

NM_173483.4(CYP4F22):c.672G>A (p.Glu224=)

Gene: CYP4F22 (cytochrome P450 family 4 subfamily F member 22; plus strand). Cytogenetic location: 19p13.12.
Variant type: single nucleotide variant.
Coding change: c.672G>A on transcript NM_173483.4 (MANE Select); coding-DNA position 672, G replaced by A.
Protein change: p.Glu224=; no amino-acid change (glutamic acid 224 retained).
Molecular consequence: synonymous variant.
Genome position (GRCh38, 1-based): chr19:15,540,450, G>A. VCF-style: chr19-15540450-G-A. GRCh37 (hg19) VCF-style: chr19-15651261-G-A.
Identifiers: ClinVar variation 4990336 (VCV004990336.1).
Genomic context (GRCh38, chr19:15,540,450, plus strand): 5'-CCAGGGCTGTGCTATGCTAGGGGAAGGGGCTACACTCATGGATCCCCTTCTCCTTGGCAG[G>A]AAGATGAGTGATTATATCTCCGCTATCATTGAACTGAGCGCTCTGTCTGTCCGGCGCCAG-3'
Protein context (NP_775754.2, residues 214-234): CVFSYNSNCQ[Glu224=]KMSDYISAII